The following is an entry in ClinVar:

ClinVar aggregate classification (germline): Uncertain significance (1 of 4 stars; one submission).

Conditions:
Multiple endocrine neoplasia type 4. Also called: MULTIPLE ENDOCRINE NEOPLASIA, TYPE IV. Identifiers: Orphanet 276152, MedGen C1970712, MONDO:0012552, OMIM 610755.

Submission:

Labcorp Genetics (formerly Invitae), Labcorp
Classification: Uncertain significance for Multiple endocrine neoplasia type 4. Last evaluated: 2019-04-30. Review status: criteria provided, single submitter. Criteria: Invitae Variant Classification Sherloc (09022015). Collection method: clinical testing. Allele origin: germline.
Comment: In summary, the available evidence is currently insufficient to determine the role of this variant in disease. Therefore, it has been classified as a Variant of Uncertain Significance. Algorithms developed to predict the effect of sequence changes on RNA splicing suggest that this variant may disrupt the consensus splice site, but this prediction has not been confirmed by published transcriptional studies. This variant has not been reported in the literature in individuals with CDKN1B-related conditions. This variant is not present in population databases (ExAC no frequency). This sequence change results in a frameshift in the CDKN1B gene (p.*199Asnext*1). While this is not anticipated to result in nonsense mediated decay, it is expected to disrupt the last amino acid of the CDKN1B protein and extend the protein by one additional amino acid.

NM_004064.5(CDKN1B):c.595_*8del (p.Ter199AsnextTer?)

Gene: CDKN1B (cyclin dependent kinase inhibitor 1B; plus strand). Cytogenetic location: 12p13.1.
Variant type: Deletion.
Coding change: c.595_*8del on transcript NM_004064.5 (MANE Select); coding-DNA position 595 through 8 bases downstream of the stop codon, 11 bases deleted (TAAACAGCTCG).
Protein change: p.Ter199AsnextTer?.
Molecular consequence: frameshift variant, stop lost.
Genome position (GRCh38, 1-based): chr12:12,718,944-12,718,954, TAAACAGCTCG deleted; deleting any 11 consecutive bases within chr12:12,718,942-12,718,954 gives the same sequence; the c. name uses the placement nearest the transcript's 3' end. VCF-style (leftmost placement, unchanged base first): chr12-12718941-ACGTAAACAGCT-A. GRCh37 (hg19) VCF-style: chr12-12871875-ACGTAAACAGCT-A.
Identifiers: ClinVar variation 945285 (VCV000945285.7), dbSNP rs1946514001, ClinGen allele CA1139662518.